The following is an entry in ClinVar:

NM_014946.4(SPAST):c.1740del (p.Arg581fs)

Gene: SPAST (spastin; plus strand). Cytogenetic location: 2p22.3.
Variant type: Deletion.
Coding change: c.1740del on transcript NM_014946.4 (MANE Select); coding-DNA position 1740, one base deleted (T; older notation c.1740delT).
Protein change: p.Arg581fs; shifts the reading frame from arginine 581.
Molecular consequence: frameshift variant. On other transcripts: 3 prime UTR variant (1).
Genome position (GRCh38, 1-based): chr2:32,154,385, T deleted; the last of 2 consecutive T bases (chr2:32,154,384-32,154,385); deleting either gives the same sequence. VCF-style (leftmost placement, unchanged base first): chr2-32154383-AT-A. GRCh37 (hg19) VCF-style: chr2-32379452-AT-A.
Other names: c.1737del, p.Arg580fs (NM_001363823.2); c.1641del, p.Arg548fs (NM_001363875.2); c.*13del (NM_001377959.1); c.1644del, p.Arg549fs (NM_199436.2); short protein forms R548fs, R580fs, R581fs, R549fs.
Identifiers: ClinVar variation 836858 (VCV000836858.9), dbSNP rs1680184249, ClinGen allele CA916082171.
Genomic context (GRCh38, chr2:32,154,383, plus strand): 5'-ACCATATACCTGTTGATCATTTGTATTGTCATGTGCTTTTTAAAAATCTAGATGAGAAAT[AT>A]TCGATTATCTGACTTCACTGAATCCTTGAAAAAAATAAAACGCAGCGTCAGCCCTCAAAC-3'

ClinVar aggregate classification (germline): Pathogenic (1 of 4 stars; one submission).

Conditions:
Hereditary spastic paraplegia 4. Also called: Spastic paraplegia 4, autosomal dominant; Familial spastic paraplegia autosomal dominant 2; Spastic Paraplegia 4. Identifiers: Orphanet 100985, MedGen C1866855, MONDO:0008438, OMIM 182601.

Submission:

Labcorp Genetics (formerly Invitae), Labcorp
Classification: Pathogenic for Hereditary spastic paraplegia 4. Last evaluated: 2022-06-27. Review status: criteria provided, single submitter. Criteria: Invitae Variant Classification Sherloc (09022015). Collection method: clinical testing. Allele origin: germline.
Comment: For these reasons, this variant has been classified as Pathogenic. This variant disrupts a region of the SPAST protein in which other variant(s) (p.Trp607*) have been determined to be pathogenic (Invitae). This suggests that this is a clinically significant region of the protein, and that variants that disrupt it are likely to be disease-causing. ClinVar contains an entry for this variant (Variation ID: 836858). This sequence change creates a premature translational stop signal (p.Arg581Aspfs*9) in the SPAST gene. While this is not anticipated to result in nonsense mediated decay, it is expected to disrupt the last 36 amino acid(s) of the SPAST protein. This premature translational stop signal has been observed in individual(s) with clinical features of SPAST-related conditions (Invitae). This variant is not present in population databases (gnomAD no frequency).